The following is an entry in ClinVar:

ClinVar aggregate classification (germline): Likely pathogenic (1 of 4 stars; one submission).

Conditions:
RFT1-congenital disorder of glycosylation (CDG1N). Also called: Congenital disorder of glycosylation type In; RFT1-CDG; CDG In. Identifiers: Orphanet 244310, MedGen C2677590, MONDO:0012783, OMIM 612015.

Allele frequency attached by ClinVar (database versions not stated): gnomAD exomes 0.00001.
gnomAD v4.1: 15 of 1,614,084 alleles (0.00093%); highest among the groups gnomAD compares: South Asian, 0.0022%; no homozygotes.

Submission:

3billion
Classification: Likely pathogenic for RFT1-congenital disorder of glycosylation. Review status: criteria provided, single submitter. Criteria: ACMG Guidelines, 2015. Collection method: clinical testing. Allele origin: unknown. Affected: yes. Observed: 1 heterozygote.
Comment: The variant is observed at an extremely low frequency in the gnomAD v2.1.1 dataset (total allele frequency: <0.001%). The variant is predicted to result in a loss or disruption of normal protein function through nonsense-mediated decay (NMD) or protein truncation. Multiple pathogenic variants are reported downstream of the variant. Therefore, this variant is classified as Likely pathogenic according to the recommendation of ACMG/AMP guideline.

NM_052859.4(RFT1):c.229C>T (p.Arg77Ter)

Gene: RFT1 (RFT1 glycolipid translocator homolog; minus strand). Cytogenetic location: 3p21.1.
Variant type: single nucleotide variant.
Coding change: c.229C>T on transcript NM_052859.4 (MANE Select); coding-DNA position 229, C replaced by T.
Protein change: p.Arg77Ter; replaces arginine 77 with a stop codon.
Molecular consequence: nonsense.
Genome position (GRCh38, 1-based): chr3:53,123,761, G>A on the plus strand (C>T on the coding strand, the complement: RFT1 is on the minus strand). VCF-style: chr3-53123761-G-A. GRCh37 (hg19) VCF-style: chr3-53157777-G-A.
Other names: short protein forms R77*.
Identifiers: ClinVar variation 2572513 (VCV002572513.1), dbSNP rs776522715, ClinGen allele CA74814279.
Genomic context (GRCh38, chr3:53,123,761, plus strand): 5'-TCTCCTGCCAAAGCACAACTCACGTTAGCCACAGCAGGTTGAGGGTCTGGCTCCAGTCTC[G>A]CTGGGTGCCCCCACTGAGACATGCTCTGCGGAAGGCCTCTCTGGCCAGGAAGAGGGTGGT-3'